The following is an entry in ClinVar:

NM_024665.7(TBL1XR1):c.160C>T (p.Gln54Ter)

Gene: TBL1XR1 (TBL1X/Y related 1; minus strand). Cytogenetic location: 3q26.32.
Variant type: single nucleotide variant.
Coding change: c.160C>T on transcript NM_024665.7 (MANE Select); coding-DNA position 160, C replaced by T.
Protein change: p.Gln54Ter; replaces glutamine 54 with a stop codon.
Molecular consequence: nonsense. On other transcripts: 5 prime UTR variant (2).
Genome position (GRCh38, 1-based): chr3:177,053,817, G>A on the plus strand (C>T on the coding strand, the complement: TBL1XR1 is on the minus strand). VCF-style: chr3-177053817-G-A. GRCh37 (hg19) VCF-style: chr3-176771605-G-A.
Other names: c.160C>T, p.Gln54Ter (NM_001321193.3, NM_001321194.3, NM_001374327.1 and 2 more transcripts); c.-102C>T (NM_001321195.3, NM_001374330.1); short protein forms Q54*.
Identifiers: ClinVar variation 4535957 (VCV004535957.1).

ClinVar aggregate classification (germline): Pathogenic (1 of 4 stars; one submission).

Conditions:
Intellectual developmental disorder, autosomal dominant 41. Also called: Intellectual disability, autosomal dominant 41. Identifiers: Orphanet 2823, MedGen C4310784, MONDO:0014842, OMIM 616944.

Submission:

Women's Health and Genetics/Laboratory Corporation of America, LabCorp
Classification: Pathogenic for Intellectual developmental disorder, autosomal dominant 41. Last evaluated: 2025-09-25. Review status: criteria provided, single submitter. Criteria: LabCorp Variant Classification Summary - May 2015. Collection method: clinical testing. Allele origin: germline.
Comment: Variant summary: TBL1XR1 c.160C>T (p.Gln54X) results in a premature termination codon, predicted to cause a truncation of the encoded protein or absence of the protein due to nonsense mediated decay, which are commonly known mechanisms for disease. The variant was absent in 248846 control chromosomes. To our knowledge, no occurrence of c.160C>T in individuals affected with TBL1XR1-related conditions and no experimental evidence demonstrating its impact on protein function have been reported. No submitters have cited clinical-significance assessments for this variant to ClinVar. Based on the evidence outlined above, the variant was classified as pathogenic.